The following is an entry in ClinVar:

ClinVar aggregate classification (germline): Uncertain significance (1 of 4 stars; one submission).

gnomAD v4.1: 6 of 1,610,506 alleles (0.00037%); highest among the groups gnomAD compares: African/African-American, 0.0013%; no homozygotes.

Submission:

Labcorp Genetics (formerly Invitae), Labcorp
Classification: Uncertain significance. Last evaluated: 2023-10-09. Review status: criteria provided, single submitter. Criteria: Invitae Variant Classification Sherloc (09022015). Collection method: clinical testing. Allele origin: germline.
Comment: This sequence change falls in intron 14 of the SRP72 gene. It does not directly change the encoded amino acid sequence of the SRP72 protein. This variant is not present in population databases (gnomAD no frequency). This variant has not been reported in the literature in individuals affected with SRP72-related conditions. Algorithms developed to predict the effect of sequence changes on RNA splicing suggest that this variant may create or strengthen a splice site. In summary, the available evidence is currently insufficient to determine the role of this variant in disease. Therefore, it has been classified as a Variant of Uncertain Significance.

NM_006947.4(SRP72):c.1424+14C>G

Gene: SRP72 (signal recognition particle 72; plus strand). Cytogenetic location: 4q12.
Variant type: single nucleotide variant.
Coding change: c.1424+14C>G on transcript NM_006947.4 (MANE Select); 14 bases into the intron after coding-DNA position 1424, C replaced by G.
Molecular consequence: intron variant.
Genome position (GRCh38, 1-based): chr4:56,490,450, C>G. VCF-style: chr4-56490450-C-G. GRCh37 (hg19) VCF-style: chr4-57356616-C-G.
Other names: c.1241+14C>G (NM_001267722.2).
Identifiers: ClinVar variation 3007050 (VCV003007050.3), dbSNP rs1003615980, ClinGen allele CA1062803941.
Genomic context (GRCh38, chr4:56,490,450, plus strand): 5'-TATGGGCGGAAGAAGGAGGCAATTAGTGACCTACAACAGCTGTGGAAGTAAGCTCTGAAA[C>G]GTGGAGTTGTAGAAATAACACATTTATTGTTGCTACTTGATATGAGGGAGTTACTTGTTT-3'